The following is an entry in ClinVar:

ClinVar aggregate classification (germline): Uncertain significance (1 of 4 stars; one submission).

gnomAD v4.1: 2 of 1,610,348 alleles (0.00012%); highest among the groups gnomAD compares: East Asian, 0.0022%; no homozygotes.

Submission:

GeneDx
Classification: Uncertain significance. Last evaluated: 2023-03-30. Review status: criteria provided, single submitter. Criteria: GeneDx Variant Classification Process June 2021. Collection method: clinical testing. Allele origin: germline. Affected: yes.
Comment: Not observed at significant frequency in large population cohorts (gnomAD); In silico analysis supports that this missense variant has a deleterious effect on protein structure/function; Has not been previously published as pathogenic or benign to our knowledge; This variant is associated with the following publications: (PMID: 31621694, 21455213)

NM_004364.5(CEBPA):c.1015C>T (p.Arg339Trp)

Gene: CEBPA (CCAAT enhancer binding protein alpha; minus strand). Cytogenetic location: 19q13.11.
Variant type: single nucleotide variant.
Coding change: c.1015C>T on transcript NM_004364.5 (MANE Select); coding-DNA position 1015, C replaced by T.
Protein change: p.Arg339Trp; replaces arginine 339 with tryptophan.
Molecular consequence: missense variant.
Genome position (GRCh38, 1-based): chr19:33,301,400, G>A on the plus strand (C>T on the coding strand, the complement: CEBPA is on the minus strand). VCF-style: chr19-33301400-G-A. GRCh37 (hg19) VCF-style: chr19-33792306-G-A.
Other names: c.658C>T, p.Arg220Trp (NM_001285829.2); c.1120C>T, p.Arg374Trp (NM_001287424.2); c.973C>T, p.Arg325Trp (NM_001287435.2); short protein forms R220W, R325W, R339W, R374W.
Identifiers: ClinVar variation 2582063 (VCV002582063.1), dbSNP rs1455027551, ClinGen allele CA405273718.